The following is an entry in ClinVar:

ClinVar aggregate classification (germline): Uncertain significance. Review status: criteria provided, multiple submitters, no conflicts (2 of 4 stars). 4 submissions from 4 submitters: Uncertain significance (4). Last evaluated 2025-09-10.

Conditions:
Shprintzen-Goldberg syndrome (SGS). Also called: CRANIOSYNOSTOSIS WITH ARACHNODACTYLY AND ABDOMINAL HERNIAS; Marfanoid disorder with craniosynostosis type 1; Marfanoid craniosynostosis syndrome; Shprintzen-Goldberg marfanoid syndrome; SHPRINTZEN-GOLDBERG CRANIOSYNOSTOSIS SYNDROME. Identifiers: Orphanet 2462, MedGen C1321551, MONDO:0008426, OMIM 182212.
Familial thoracic aortic aneurysm and aortic dissection (TAAD). Also called: Thoracic aortic aneurysms and dissections. Identifiers: Orphanet 91387, MedGen C4707243, MONDO:0019625.

Allele frequency attached by ClinVar (database versions not stated): TOPMed 0.00001.
gnomAD v4.1: 96 of 1,583,316 alleles (0.0061%); highest among the groups gnomAD compares: Admixed American, 0.011%; no homozygotes.

Submissions (4):

Labcorp Genetics (formerly Invitae), Labcorp
Classification: Uncertain significance for Shprintzen-Goldberg syndrome. Last evaluated: 2025-09-10. Review status: criteria provided, single submitter. Criteria: Invitae Variant Classification Sherloc (09022015). Collection method: clinical testing. Allele origin: germline.
Comment: This sequence change replaces arginine, which is basic and polar, with glycine, which is neutral and non-polar, at codon 648 of the SKI protein (p.Arg648Gly). This variant is present in population databases (rs555623960, gnomAD 0.007%). This variant has not been reported in the literature in individuals affected with SKI-related conditions. ClinVar contains an entry for this variant (Variation ID: 463401). Invitae Evidence Modeling of protein sequence and biophysical properties (such as structural, functional, and spatial information, amino acid conservation, physicochemical variation, residue mobility, and thermodynamic stability) has been performed for this missense variant. However, the output from this modeling did not meet the statistical confidence thresholds required to predict the impact of this variant on SKI protein function. In summary, the available evidence is currently insufficient to determine the role of this variant in disease. Therefore, it has been classified as a Variant of Uncertain Significance.

Ambry Genetics
Classification: Uncertain significance for Familial thoracic aortic aneurysm and aortic dissection. Last evaluated: 2025-07-03. Review status: criteria provided, single submitter. Criteria: Ambry Variant Classification Scheme 2023. Collection method: clinical testing. Allele origin: germline.

GeneDx
Classification: Uncertain significance. Last evaluated: 2025-05-08. Review status: criteria provided, single submitter. Criteria: GeneDx Variant Classification Process June 2021. Collection method: clinical testing. Allele origin: germline. Affected: yes.
Comment: Has not been previously published as pathogenic or benign to our knowledge; In silico analysis supports that this missense variant has a deleterious effect on protein structure/function

ARUP Laboratories, Molecular Genetics and Genomics, ARUP Laboratories
Classification: Uncertain significance for Shprintzen-Goldberg syndrome. Last evaluated: 2023-03-02. Review status: criteria provided, single submitter. Criteria: ARUP Molecular Germline Variant Investigation Process 2024. Collection method: clinical testing. Allele origin: germline.
Comment: The SKI c.1942C>G; p.Arg648Gly variant (rs555623960), to our knowledge, is not reported in the medical literature but is reported in ClinVar (Variation ID: 463401). This variant is found in the general population with an overall allele frequency of 0.004% (8/220634 alleles) in the Genome Aggregation Database. Computational analyses predict that this variant is deleterious (REVEL: 0.808). Due to limited information, the clinical significance of this variant is uncertain at this time.

NM_003036.4(SKI):c.1942C>G (p.Arg648Gly)

Gene: SKI (SKI proto-oncogene; plus strand). Cytogenetic location: 1p36.32.
Variant type: single nucleotide variant.
Coding change: c.1942C>G on transcript NM_003036.4 (MANE Select); coding-DNA position 1942, C replaced by G.
Protein change: p.Arg648Gly; replaces arginine 648 with glycine.
Molecular consequence: missense variant.
Genome position (GRCh38, 1-based): chr1:2,306,194, C>G. VCF-style: chr1-2306194-C-G. GRCh37 (hg19) VCF-style: chr1-2237633-C-G.
Other names: short protein forms R648G.
Identifiers: ClinVar variation 463401 (VCV000463401.21), dbSNP rs555623960, ClinGen allele CA536836.